The following is an entry in ClinVar:

NM_006642.5(SDCCAG8):c.1671C>G (p.Ala557=)

Gene: SDCCAG8 (SHH signaling and ciliogenesis regulator SDCCAG8; plus strand). Cytogenetic location: 1q43.
Variant type: single nucleotide variant.
Coding change: c.1671C>G on transcript NM_006642.5 (MANE Select); coding-DNA position 1671, C replaced by G.
Protein change: p.Ala557=; no amino-acid change (alanine 557 retained).
Molecular consequence: synonymous variant.
Genome position (GRCh38, 1-based): chr1:243,415,756, C>G. VCF-style: chr1-243415756-C-G. GRCh37 (hg19) VCF-style: chr1-243579058-C-G.
Other names: c.768C>G, p.Ala256= (NM_001350246.2, NM_001350247.2, NM_001350251.2); c.1767C>G, p.Ala589= (NM_001350248.2); c.1377C>G, p.Ala459= (NM_001350249.2).
Identifiers: ClinVar variation 3346988 (VCV003346988.1).

ClinVar aggregate classification (germline): Likely benign (0 of 4 stars; one submission).

Conditions:
SDCCAG8-related disorder. Also called: SDCCAG8-Related Disorders; SDCCAG8-related condition.

Submission:

PreventionGenetics, part of Exact Sciences
Classification: Likely benign for SDCCAG8-related condition. Last evaluated: 2024-06-20. Review status: no assertion criteria provided. Collection method: clinical testing. Allele origin: germline.
Comment: This variant is classified as likely benign based on ACMG/AMP sequence variant interpretation guidelines (Richards et al. 2015 PMID: 25741868, with internal and published modifications).